The following is an entry in ClinVar:

ClinVar aggregate classification (germline): Uncertain significance. Review status: criteria provided, multiple submitters, no conflicts (2 of 4 stars). 3 submissions from 3 submitters: Uncertain significance (2). 1 of the submissions does not count toward it. Last evaluated 2023-10-26.

Conditions:
Glycine encephalopathy 1 (GCE1). Identifiers: MedGen CN376801, MONDO:0958179, OMIM 605899.
Glycine encephalopathy. Also called: Non-ketotic hyperglycinemia; Nonketotic hyperglycinemia. Identifiers: Orphanet 407, MedGen C0751748, MONDO:0011612, HP:0008288.

Submissions (3):

Blueprint Genetics
Classification: Uncertain significance. Last evaluated: 2023-10-26. Review status: criteria provided, single submitter. Criteria: ACMG Guidelines, 2015. Collection method: clinical testing. Allele origin: germline.

Labcorp Genetics (formerly Invitae), Labcorp
Classification: Uncertain significance for Glycine encephalopathy. Last evaluated: 2022-08-09. Review status: criteria provided, single submitter. Criteria: Invitae Variant Classification Sherloc (09022015). Collection method: clinical testing. Allele origin: germline.
Comment: This variant, c.1153_1155del, results in the deletion of 1 amino acid(s) of the AMT protein (p.Gln385del), but otherwise preserves the integrity of the reading frame. This variant is present in population databases (rs747544827, gnomAD 0.003%). This variant has not been reported in the literature in individuals affected with AMT-related conditions. ClinVar contains an entry for this variant (Variation ID: 551593). Experimental studies and prediction algorithms are not available or were not evaluated, and the functional significance of this variant is currently unknown. In summary, the available evidence is currently insufficient to determine the role of this variant in disease. Therefore, it has been classified as a Variant of Uncertain Significance.

Counsyl
Classification: Uncertain significance for Glycine encephalopathy 1. Last evaluated: 2017-04-19. Review status: no assertion criteria provided. Collection method: clinical testing. Allele origin: unknown. Not counted in ClinVar's aggregate classification.

NM_000481.4(AMT):c.1150CAG[1] (p.Gln385del)

Gene: AMT (aminomethyltransferase; minus strand). Cytogenetic location: 3p21.31.
Variant type: Microsatellite.
Coding change: c.1150CAG[1] on transcript NM_000481.4 (MANE Select); one copy of the 3-base unit CAG starting at c.1150; the reference has two copies in a row; one copy, 3 bases deleted.
Protein change: p.Gln385del; deletes glutamine 385.
Molecular consequence: inframe deletion. On other transcripts: non-coding transcript variant (1), intron variant (1).
Genome position (GRCh38, 1-based): chr3:49,417,597-49,417,599, CTG deleted on the plus strand (CAG on the coding strand, the reverse complement: AMT is on the minus strand); deleting any 3 consecutive bases within chr3:49,417,597-49,417,604 gives the same sequence; the position shown is the placement nearest the transcript's 3' end. VCF-style (leftmost placement, unchanged base first): chr3-49417596-TCTG-T. GRCh37 (hg19) VCF-style: chr3-49455029-TCTG-T.
Other names: c.1018CAG[1], p.Gln341del (NM_001164710.2); c.982CAG[1], p.Gln329del (NM_001164711.2); c.1137+16_1137+18del (NM_001164712.2); c.1153_1155delCAG (NM_000481.3); short protein forms Q385del, Q329del, Q341del.
Identifiers: ClinVar variation 551593 (VCV000551593.5), dbSNP rs747544827, ClinGen allele CA2398131.